The following is an entry in ClinVar:

NM_024426.6(WT1):c.401C>T (p.Pro134Leu)

Genes: WT1 (WT1 transcription factor; minus strand), LOC107982234 (WT1/WT1-AS bi-directional promoter region; plus strand). Cytogenetic location: 11p13.
Variant type: single nucleotide variant.
Coding change: c.401C>T on transcript NM_024426.6 (MANE Select); coding-DNA position 401, C replaced by T.
Protein change: p.Pro134Leu; replaces proline 134 with leucine.
Molecular consequence: missense variant. On other transcripts: non-coding transcript variant (1).
Genome position (GRCh38, 1-based): chr11:32,434,960, G>A on the plus strand (C>T on the coding strand, the complement: WT1 is on the minus strand). VCF-style: chr11-32434960-G-A. GRCh37 (hg19) VCF-style: chr11-32456506-G-A.
Other names: c.386C>T (NM_024426.4); c.401C>T, p.Pro134Leu (NM_000378.6, NM_001407044.1, NM_001407045.1 and 6 more transcripts); c.386C>T, p.Pro129Leu (NM_024425.2); short protein forms P129L, P134L.
Identifiers: ClinVar variation 1959815 (VCV001959815.3), dbSNP rs748974419, ClinGen allele CA379965775.

ClinVar aggregate classification (germline): Uncertain significance. Review status: criteria provided, multiple submitters, no conflicts (2 of 4 stars). 2 submissions from 2 submitters: Uncertain significance (2). Last evaluated 2026-09-11.

Conditions:
Wilms tumor 1 (WT1). Also called: Wilms tumor, somatic. Identifiers: Orphanet 654, MedGen CN033288, MONDO:0008679, OMIM 194070.
11p partial monosomy syndrome (WAGR). Also called: CHROMOSOME 11p13 DELETION SYNDROME; WAGR syndrome; WAGR Complex; WAGR Spectrum Disorder. Identifiers: Orphanet 893, MedGen C0206115, MONDO:0008681, OMIM 194072.
Drash syndrome (DDS). Also called: NEPHROPATHY, WILMS TUMOR, AND GENITAL ANOMALIES; WILMS TUMOR AND PSEUDO- OR TRUE HERMAPHRODITISM. Identifiers: Orphanet 220, MedGen C0950121, MONDO:0008682, OMIM 194080.
Frasier syndrome. Identifiers: Orphanet 347, MedGen C0950122, MeSH D052159, MONDO:0007635, OMIM 136680.
Inborn genetic diseases. Identifiers: MedGen C0950123, MeSH D030342.

Allele frequency attached by ClinVar (database versions not stated): gnomAD exomes 0.00001.
gnomAD v4.1: 11 of 1,554,308 alleles (0.00071%); highest among the groups gnomAD compares: South Asian, 0.012%; no homozygotes.

Submissions (2):

Ambry Genetics
Classification: Uncertain significance for Inborn genetic diseases. Last evaluated: 2026-09-11. Review status: criteria provided, single submitter. Criteria: Ambry Variant Classification Scheme 2023. Collection method: clinical testing. Allele origin: germline.
Comment: The p.P129L variant (also known as c.386C>T), located in coding exon 1 of the WT1 gene, results from a C to T substitution at nucleotide position 386. The proline at codon 129 is replaced by leucine, an amino acid with similar properties. This amino acid position is well conserved in available vertebrate species. In addition, this alteration is predicted to be tolerated by in silico analysis. Based on the available evidence, the clinical significance of this variant remains unclear.

Labcorp Genetics (formerly Invitae), Labcorp
Classification: Uncertain significance for Wilms tumor 1; Drash syndrome; 11p partial monosomy syndrome; Frasier syndrome. Last evaluated: 2022-08-03. Review status: criteria provided, single submitter. Criteria: Invitae Variant Classification Sherloc (09022015). Collection method: clinical testing. Allele origin: germline.
Comment: This sequence change replaces proline, which is neutral and non-polar, with leucine, which is neutral and non-polar, at codon 129 of the WT1 protein (p.Pro129Leu). The frequency data for this variant in the population databases is considered unreliable, as metrics indicate poor data quality at this position in the gnomAD database. This variant has not been reported in the literature in individuals affected with WT1-related conditions. Algorithms developed to predict the effect of missense changes on protein structure and function are either unavailable or do not agree on the potential impact of this missense change (SIFT: "Deleterious"; PolyPhen-2: "Benign"; Align-GVGD: "Class C0"). In summary, the available evidence is currently insufficient to determine the role of this variant in disease. Therefore, it has been classified as a Variant of Uncertain Significance.